The following is an entry in ClinVar:

ClinVar aggregate classification (germline): Uncertain significance (1 of 4 stars; one submission).

Conditions:
Sphingolipid activator protein 1 deficiency. Also called: METACHROMATIC LEUKODYSTROPHY DUE TO CEREBROSIDE SULFATASE ACTIVATOR DEFICIENCY; Metachromatic leukodystrophy due to saposin B deficiency; Saposin B Deficiency. Identifiers: Orphanet 512, MedGen C0268262, MONDO:0009590, OMIM 249900.

Allele frequency attached by ClinVar (database versions not stated): ESP Exome Variant Server 0.00008.
gnomAD v4.1: 22 of 1,614,196 alleles (0.0014%); highest among the groups gnomAD compares: Admixed American, 0.0033%; no homozygotes.

Submission:

Labcorp Genetics (formerly Invitae), Labcorp
Classification: Uncertain significance for Sphingolipid activator protein 1 deficiency. Last evaluated: 2021-10-02. Review status: criteria provided, single submitter. Criteria: Invitae Variant Classification Sherloc (09022015). Collection method: clinical testing. Allele origin: germline.
Comment: This sequence change replaces arginine with leucine at codon 232 of the PSAP protein (p.Arg232Leu). The arginine residue is weakly conserved and there is a moderate physicochemical difference between arginine and leucine. This variant is present in population databases (rs147265566, ExAC 0.009%). This variant has not been reported in the literature in individuals affected with PSAP-related conditions. Algorithms developed to predict the effect of missense changes on protein structure and function output the following: SIFT: "Not Available"; PolyPhen-2: "Benign"; Align-GVGD: "Not Available". The leucine amino acid residue is found in multiple mammalian species, which suggests that this missense change does not adversely affect protein function. In summary, the available evidence is currently insufficient to determine the role of this variant in disease. Therefore, it has been classified as a Variant of Uncertain Significance.

NM_002778.4(PSAP):c.695G>T (p.Arg232Leu)

Gene: PSAP (prosaposin; minus strand). Cytogenetic location: 10q22.1.
Variant type: single nucleotide variant.
Coding change: c.695G>T on transcript NM_002778.4 (MANE Select); coding-DNA position 695, G replaced by T.
Protein change: p.Arg232Leu; replaces arginine 232 with leucine.
Molecular consequence: missense variant.
Genome position (GRCh38, 1-based): chr10:71,828,039, C>A on the plus strand (G>T on the coding strand, the complement: PSAP is on the minus strand). VCF-style: chr10-71828039-C-A. GRCh37 (hg19) VCF-style: chr10-73587796-C-A.
Other names: c.695G>T, p.Arg232Leu (NM_001042465.3, NM_001042466.3); short protein forms R232L.
Identifiers: ClinVar variation 1496925 (VCV001496925.3), dbSNP rs147265566, ClinGen allele CA5547696.
Genomic context (GRCh38, chr10:71,828,039, plus strand): 5'-AGAACATCCCCAATGCACAAGGACACAAGGCTCACTATGTCGGCCATGCCAGGGCCCAGG[C>A]GGTCACACTCCTCCTTGACATGTTCCACCAAGGCCTGGACAAAGGTGGAGTTGGTCCGTA-3'
Protein context (NP_002769.1, residues 222-242): LVEHVKEECD[Arg232Leu]LGPGMADICK